The following is an entry in ClinVar:

NM_017763.6(RNF43):c.2027C>T (p.Pro676Leu)

Gene: RNF43 (ring finger protein 43; minus strand). Cytogenetic location: 17q22.
Variant type: single nucleotide variant.
Coding change: c.2027C>T on transcript NM_017763.6 (MANE Select); coding-DNA position 2027, C replaced by T.
Protein change: p.Pro676Leu; replaces proline 676 with leucine.
Molecular consequence: missense variant.
Genome position (GRCh38, 1-based): chr17:58,357,749, G>A on the plus strand (C>T on the coding strand, the complement: RNF43 is on the minus strand). VCF-style: chr17-58357749-G-A. GRCh37 (hg19) VCF-style: chr17-56435110-G-A.
Other names: c.2027C>T, p.Pro676Leu (NM_001305544.3); c.1646C>T, p.Pro549Leu (NM_001305545.2); short protein forms P549L, P676L.
Identifiers: ClinVar variation 3342793 (VCV003342793.1).

ClinVar aggregate classification (germline): Uncertain significance (1 of 4 stars; one submission).

Submission:

GeneDx
Classification: Uncertain significance. Last evaluated: 2023-01-12. Review status: criteria provided, single submitter. Criteria: GeneDx Variant Classification Process June 2021. Collection method: clinical testing. Allele origin: germline. Affected: yes.
Comment: Not observed at significant frequency in large population cohorts (gnomAD); In silico analysis supports that this missense variant does not alter protein structure/function; Has not been previously published as pathogenic or benign to our knowledge; Variants in candidate genes are classified as variants of uncertain significance in accordance with ACMG guidelines (Richards et al., 2015)